The following is an entry in ClinVar:

NM_000283.4(PDE6B):c.1682A>G (p.His561Arg)

Gene: PDE6B (phosphodiesterase 6B; plus strand). Cytogenetic location: 4p16.3.
Variant type: single nucleotide variant.
Coding change: c.1682A>G on transcript NM_000283.4 (MANE Select); coding-DNA position 1682, A replaced by G.
Protein change: p.His561Arg; replaces histidine 561 with arginine.
Molecular consequence: missense variant.
Genome position (GRCh38, 1-based): chr4:662,201, A>G. VCF-style: chr4-662201-A-G. GRCh37 (hg19) VCF-style: chr4-655990-A-G.
Other names: c.1682A>G, p.His561Arg (NM_001145291.2); c.845A>G, p.His282Arg (NM_001145292.2, NM_001350154.3, NM_001379246.1 and 1 more transcripts); c.527A>G, p.His176Arg (NM_001350155.3); short protein forms H176R, H282R, H561R.
Identifiers: ClinVar variation 1172721 (VCV001172721.8), dbSNP rs1305333312, ClinGen allele CA355916955.

ClinVar aggregate classification (germline): Conflicting classifications of pathogenicity. Review status: criteria provided, conflicting classifications (1 of 4 stars). 3 submissions from 3 submitters: Likely pathogenic (2); Uncertain significance (1). Last evaluated 2025-09-08.

Conditions:
Retinitis pigmentosa 40 (RP40). Identifiers: Orphanet 791, MedGen C3151107, MONDO:0013429, OMIM 613801.

Allele frequency attached by ClinVar (database versions not stated): gnomAD exomes below 0.00001 and 0.00001; TOPMed below 0.00001; gnomAD 0.00001.
gnomAD v4.1: 3 of 1,578,466 alleles (0.00019%); highest among the groups gnomAD compares: Admixed American, 0.0055%; no homozygotes.

Submissions (3):

Labcorp Genetics (formerly Invitae), Labcorp
Classification: Likely pathogenic. Last evaluated: 2025-09-08. Review status: criteria provided, single submitter. Criteria: Invitae Variant Classification Sherloc (09022015). Collection method: clinical testing. Allele origin: germline.
Comment: This sequence change replaces histidine, which is basic and polar, with arginine, which is basic and polar, at codon 561 of the PDE6B protein (p.His561Arg). The frequency data for this variant in the population databases is considered unreliable, as metrics indicate poor data quality at this position in the gnomAD database. This missense change has been observed in individual(s) with clinical features of autosomal recessive retinitis pigmentosa (PMID: 34828430; internal data). In at least one individual the data is consistent with being in trans (on the opposite chromosome) from a pathogenic variant. ClinVar contains an entry for this variant (Variation ID: 1172721). Invitae Evidence Modeling of protein sequence and biophysical properties (such as structural, functional, and spatial information, amino acid conservation, physicochemical variation, residue mobility, and thermodynamic stability) indicates that this missense variant is expected to disrupt PDE6B protein function with a positive predictive value of 95%. In summary, the currently available evidence indicates that the variant is pathogenic, but additional data are needed to prove that conclusively. Therefore, this variant has been classified as Likely Pathogenic.

DBGen Ocular Genomics
Classification: Likely pathogenic for Retinitis pigmentosa 40. Last evaluated: 2021-05-25. Review status: criteria provided, single submitter. Criteria: ACMG Guidelines, 2015. Collection method: clinical testing. Allele origin: germline. Affected: yes. Observed: 1 variant allele.

Blueprint Genetics
Classification: Uncertain significance. Last evaluated: 2019-10-31. Review status: criteria provided, single submitter. Criteria: ACMG Guidelines, 2015. Collection method: clinical testing. Allele origin: germline.

Literature cited by the submitters: PubMed 34828430 (cited by Labcorp Genetics (formerly Invitae), Labcorp).